The following is an entry in ClinVar:

ClinVar aggregate classification (germline): Uncertain significance (1 of 4 stars; one submission).

Conditions:
Inborn genetic diseases. Identifiers: MedGen C0950123, MeSH D030342.

Submission:

Ambry Genetics
Classification: Uncertain significance for Inborn genetic diseases. Last evaluated: 2025-01-27. Review status: criteria provided, single submitter. Criteria: Ambry Variant Classification Scheme 2023. Collection method: clinical testing. Allele origin: germline.
Comment: The p.V175A variant (also known as c.524T>C), located in coding exon 4 of the MECOM gene, results from a T to C substitution at nucleotide position 524. The valine at codon 175 is replaced by alanine, an amino acid with similar properties. This amino acid position is conserved. In addition, this alteration is predicted to be tolerated by in silico analysis. Based on the available evidence, the clinical significance of this variant remains unclear.

NM_004991.4(MECOM):c.524T>C (p.Val175Ala)

Gene: MECOM (MDS1 and EVI1 complex locus; minus strand). Cytogenetic location: 3q26.2.
Variant type: single nucleotide variant.
Coding change: c.524T>C on transcript NM_004991.4 (MANE Select); coding-DNA position 524, T replaced by C.
Protein change: p.Val175Ala; replaces valine 175 with alanine.
Molecular consequence: missense variant. On other transcripts: 5 prime UTR variant (12).
Genome position (GRCh38, 1-based): chr3:169,131,518, A>G on the plus strand (T>C on the coding strand, the complement: MECOM is on the minus strand). VCF-style: chr3-169131518-A-G. GRCh37 (hg19) VCF-style: chr3-168849306-A-G.
Other names: c.152T>C, p.Val51Ala (NM_001105077.4); c.-41T>C (NM_001105078.4, NM_001163999.2, NM_001164000.2 and 9 more transcripts); c.524T>C, p.Val175Ala (NM_001366466.2, NM_001366473.2); short protein forms V175A, V51A.
Identifiers: ClinVar variation 3871757 (VCV003871757.1).
Genomic context (GRCh38, chr3:169,131,518, plus strand): 5'-GGATAGTCTTCGCTCTTCATGAACAGCAGAAGCTCCTCTCCCGGCGCAATGTCTGCAACT[A>G]CTCTATAGAATATCTTTAAAGACAAAATAAAGGTGGATGGAATCAGGAAAGAGAGAGATG-3'
Protein context (NP_004982.2, residues 165-185): CQINDQIFYR[Val175Ala]VADIAPGEEL